The following is an entry in ClinVar:

ClinVar aggregate classification (germline): Uncertain significance (1 of 4 stars; one submission).

Conditions:
Danon disease. Also called: ANTOPOL DISEASE; PSEUDOGLYCOGENOSIS II; GSD IIb; LYSOSOMAL GLYCOGEN STORAGE DISEASE WITHOUT ACID MALTASE DEFICIENCY; Glycogen Storage Disease Type IIb. Identifiers: Orphanet 34587, MedGen C0878677, MONDO:0010281, OMIM 300257.

Allele frequency attached by ClinVar (database versions not stated): gnomAD exomes below 0.00001 and 0.00001; gnomAD 0.00001; TOPMed 0.00002.
gnomAD v4.1: 4 of 1,205,619 alleles (0.00033%); highest among the groups gnomAD compares: African/African-American, 0.007%; no homozygotes.

Submission:

Labcorp Genetics (formerly Invitae), Labcorp
Classification: Uncertain significance for Danon disease. Last evaluated: 2024-12-08. Review status: criteria provided, single submitter. Criteria: Invitae Variant Classification Sherloc (09022015). Collection method: clinical testing. Allele origin: germline.
Comment: This sequence change replaces threonine, which is neutral and polar, with serine, which is neutral and polar, at codon 336 of the LAMP2 protein (p.Thr336Ser). This variant is present in population databases (no rsID available, gnomAD 0.02%), including at least one homozygous and/or hemizygous individual. This variant has not been reported in the literature in individuals affected with LAMP2-related conditions. ClinVar contains an entry for this variant (Variation ID: 1382535). Invitae Evidence Modeling of protein sequence and biophysical properties (such as structural, functional, and spatial information, amino acid conservation, physicochemical variation, residue mobility, and thermodynamic stability) indicates that this missense variant is not expected to disrupt LAMP2 protein function with a negative predictive value of 80%. In summary, the available evidence is currently insufficient to determine the role of this variant in disease. Therefore, it has been classified as a Variant of Uncertain Significance.

NM_002294.3(LAMP2):c.1006A>T (p.Thr336Ser)

Gene: LAMP2 (lysosome associated membrane protein 2; minus strand). Cytogenetic location: Xq24.
Variant type: single nucleotide variant.
Coding change: c.1006A>T on transcript NM_002294.3 (MANE Select); coding-DNA position 1006, A replaced by T.
Protein change: p.Thr336Ser; replaces threonine 336 with serine.
Molecular consequence: missense variant.
Genome position (GRCh38, 1-based): chrX:120,441,817, T>A on the plus strand (A>T on the coding strand, the complement: LAMP2 is on the minus strand). VCF-style: chrX-120441817-T-A. GRCh37 (hg19) VCF-style: chrX-119575672-T-A.
Other names: c.1006A>T, p.Thr336Ser (NM_001122606.1, NM_013995.2); short protein forms T336S.
Identifiers: ClinVar variation 1382535 (VCV001382535.7), dbSNP rs1343337245, ClinGen allele CA414400070.